The following is an entry in ClinVar:

NM_020247.5(COQ8A):c.913G>A (p.Asp305Asn)

Gene: COQ8A (coenzyme Q8A; plus strand). Cytogenetic location: 1q42.13.
Variant type: single nucleotide variant.
Coding change: c.913G>A on transcript NM_020247.5 (MANE Select); coding-DNA position 913, G replaced by A.
Protein change: p.Asp305Asn; replaces aspartic acid 305 with asparagine.
Molecular consequence: missense variant.
Genome position (GRCh38, 1-based): chr1:226,982,737, G>A. VCF-style: chr1-226982737-G-A. GRCh37 (hg19) VCF-style: chr1-227170438-G-A.
Other names: short protein forms D305N.
Identifiers: ClinVar variation 2501496 (VCV002501496.1), dbSNP rs1659780289, ClinGen allele CA345052360.

ClinVar aggregate classification (germline): Uncertain significance (1 of 4 stars; one submission).

Allele frequency attached by ClinVar (database versions not stated): gnomAD exomes below 0.00001; TOPMed 0.00001.
gnomAD v4.1: 2 of 1,613,728 alleles (0.00012%); highest among the groups gnomAD compares: Non-Finnish European, 0.00017%; no homozygotes.

Submission:

GeneDx
Classification: Uncertain significance. Last evaluated: 2022-11-08. Review status: criteria provided, single submitter. Criteria: GeneDx Variant Classification Process June 2021. Collection method: clinical testing. Allele origin: germline. Affected: yes.
Comment: Not observed at significant frequency in large population cohorts (gnomAD); In silico analysis supports that this missense variant has a deleterious effect on protein structure/function; Has not been previously published as pathogenic or benign to our knowledge